The following is an entry in ClinVar:

NM_001001563.5(TIMM50):c.758C>G (p.Ala253Gly)

Gene: TIMM50 (translocase of inner mitochondrial membrane 50; plus strand). Cytogenetic location: 19q13.2.
Variant type: single nucleotide variant.
Coding change: c.758C>G on transcript NM_001001563.5 (MANE Select); coding-DNA position 758, C replaced by G.
Protein change: p.Ala253Gly; replaces alanine 253 with glycine.
Molecular consequence: missense variant.
Genome position (GRCh38, 1-based): chr19:39,488,122, C>G. VCF-style: chr19-39488122-C-G. GRCh37 (hg19) VCF-style: chr19-39978762-C-G.
Other names: c.419C>G, p.Ala140Gly (NM_001329559.2); short protein forms A253G, A140G.
Identifiers: ClinVar variation 1448423 (VCV001448423.6), dbSNP rs1477945064, ClinGen allele CA405789404.
Genomic context (GRCh38, chr19:39,488,122, plus strand): 5'-ATATTTCATGTCTGAATCGGGACCCAGCTCGAGTAGTAGTTGTGGACTGCAAGAAGGAAG[C>G]CTTCCGCCTGCAGCCCTATAACGGCGTTGCCCTGCGGCCCTGGGACGGCAACTCTGATGA-3'
Protein context (NP_001001563.2, residues 243-263): RVVVVDCKKE[Ala253Gly]FRLQPYNGVA

ClinVar aggregate classification (germline): Uncertain significance (1 of 4 stars; one submission).

Allele frequency attached by ClinVar (database versions not stated): TOPMed 0.00001.
gnomAD v4.1: 5 of 1,613,980 alleles (0.00031%); highest among the groups gnomAD compares: African/African-American, 0.0013%; no homozygotes.

Submission:

Labcorp Genetics (formerly Invitae), Labcorp
Classification: Uncertain significance. Last evaluated: 2022-03-04. Review status: criteria provided, single submitter. Criteria: Invitae Variant Classification Sherloc (09022015). Collection method: clinical testing. Allele origin: germline.
Comment: In summary, the available evidence is currently insufficient to determine the role of this variant in disease. Therefore, it has been classified as a Variant of Uncertain Significance. Algorithms developed to predict the effect of missense changes on protein structure and function are either unavailable or do not agree on the potential impact of this missense change (SIFT: "Not Available"; PolyPhen-2: "Probably Damaging"; Align-GVGD: "Not Available"). This variant has not been reported in the literature in individuals affected with TIMM50-related conditions. This variant is not present in population databases (gnomAD no frequency). This sequence change replaces alanine, which is neutral and non-polar, with glycine, which is neutral and non-polar, at codon 356 of the TIMM50 protein (p.Ala356Gly).